The following is an entry in ClinVar:

NM_001351375.2(RPS29):c.53+3A>C

Gene: RPS29 (ribosomal protein S29; minus strand). Cytogenetic location: 14q21.3.
Variant type: single nucleotide variant.
Coding change: c.53+3A>C on transcript NM_001351375.2; 3 bases into the intron after coding-DNA position 53, A replaced by C.
Molecular consequence: intron variant.
Genome position (GRCh38, 1-based): chr14:49,598,397, T>G on the plus strand (A>C on the coding strand, the complement: RPS29 is on the minus strand). VCF-style: chr14-49598397-T-G. GRCh37 (hg19) VCF-style: chr14-50065115-T-G.
Identifiers: ClinVar variation 4981124 (VCV004981124.1).

ClinVar aggregate classification (germline): Uncertain significance (1 of 4 stars; one submission).

Conditions:
RPS29-related disorder. Also called: RPS29-related condition.

gnomAD v4.1: 2 of 686,706 alleles (0.00029%); highest among the groups gnomAD compares: Non-Finnish European, 0.00053%; no homozygotes.

Submission:

PreventionGenetics, part of Exact Sciences
Classification: Uncertain significance for RPS29-related condition. Last evaluated: 2025-02-28. Review status: criteria provided, single submitter. Criteria: ACMG Guidelines, 2015. Collection method: clinical testing. Allele origin: germline.
Comment: The RPS29 c.53+3A>C variant is predicted to interfere with splicing. This variant is predicted to alter splicing based on available splicing prediction programs (SpliceAI, Jaganathan et al. 2019. PubMed ID: 30661751). However, such computer prediction programs are imperfect. This variant is in an alternate transcript, in the canonical transcript (NM_001032) this variant is pre-coding (c.-12051A>C). To our knowledge, this variant has not been reported in the literature or in a large population database (gnomAD), indicating this variant is rare. At this time, the clinical significance of this variant is uncertain due to the absence of conclusive functional and genetic evidence.